The following is an entry in ClinVar:

NM_003718.5(CDK13):c.1981C>G (p.Leu661Val)

Gene: CDK13 (cyclin dependent kinase 13; plus strand). Cytogenetic location: 7p14.1.
Variant type: single nucleotide variant.
Coding change: c.1981C>G on transcript NM_003718.5 (MANE Select); coding-DNA position 1981, C replaced by G.
Protein change: p.Leu661Val; replaces leucine 661 with valine.
Molecular consequence: missense variant.
Genome position (GRCh38, 1-based): chr7:39,997,603, C>G. VCF-style: chr7-39997603-C-G. GRCh37 (hg19) VCF-style: chr7-40037202-C-G.
Other names: c.1981C>G, p.Leu661Val (NM_031267.4); short protein forms L661V.
Identifiers: ClinVar variation 2502539 (VCV002502539.1), dbSNP rs2483771826, ClinGen allele CA367287414.

ClinVar aggregate classification (germline): Uncertain significance (1 of 4 stars; one submission).

Submission:

GeneDx
Classification: Uncertain significance. Last evaluated: 2022-11-21. Review status: criteria provided, single submitter. Criteria: GeneDx Variant Classification Process June 2021. Collection method: clinical testing. Allele origin: germline. Affected: yes.
Comment: Not observed at significant frequency in large population cohorts (gnomAD); In silico analysis supports that this missense variant does not alter protein structure/function; Has not been previously published as pathogenic or benign to our knowledge